The following is an entry in ClinVar:

NM_000553.6(WRN):c.2387C>T (p.Ala796Val)

Gene: WRN (WRN RecQ like helicase; plus strand). Cytogenetic location: 8p12.
Variant type: single nucleotide variant.
Coding change: c.2387C>T on transcript NM_000553.6 (MANE Select); coding-DNA position 2387, C replaced by T.
Protein change: p.Ala796Val; replaces alanine 796 with valine.
Molecular consequence: missense variant.
Genome position (GRCh38, 1-based): chr8:31,116,467, C>T. VCF-style: chr8-31116467-C-T. GRCh37 (hg19) VCF-style: chr8-30973983-C-T.
Other names: short protein forms A796V.
Identifiers: ClinVar variation 844010 (VCV000844010.3), dbSNP rs779140898, ClinGen allele CA4704733.
Genomic context (GRCh38, chr8:31,116,467, plus strand): 5'-TGACACAACAAGTTACAGGTGAACTTAGGAAACTGAATCTATCCTGTGGAACATACCATG[C>T]GGGCATGAGTTTTAGCACAAGGAAAGACATTCATCATAGGTTTGTAAGAGATGAAATTCA-3'
Protein context (NP_000544.2, residues 786-806): KLNLSCGTYH[Ala796Val]GMSFSTRKDI

ClinVar aggregate classification (germline): Uncertain significance (1 of 4 stars; one submission).

Conditions:
Werner syndrome (WRN). Identifiers: Orphanet 902, MedGen C0043119, MONDO:0010196, OMIM 277700.

Allele frequency attached by ClinVar (database versions not stated): TOPMed below 0.00001; gnomAD 0.00001; gnomAD exomes 0.00001 and 0.00002; ExAC 0.00002.
gnomAD v4.1: 9 of 1,613,816 alleles (0.00056%); highest among the groups gnomAD compares: South Asian, 0.0011%; no homozygotes.

Submissions (2):

Labcorp Genetics (formerly Invitae), Labcorp
Classification: Uncertain significance for Werner syndrome. Last evaluated: 2019-12-11. Review status: criteria provided, single submitter. Criteria: Invitae Variant Classification Sherloc (09022015). Collection method: clinical testing. Allele origin: germline.
Comment: This sequence change replaces alanine with valine at codon 796 of the WRN protein (p.Ala796Val). The alanine residue is highly conserved and there is a small physicochemical difference between alanine and valine. This variant is present in population databases (rs779140898, ExAC 0.02%). This variant has not been reported in the literature in individuals with WRN-related conditions. Algorithms developed to predict the effect of missense changes on protein structure and function (SIFT, PolyPhen-2, Align-GVGD) all suggest that this variant is likely to be disruptive, but these predictions have not been confirmed by published functional studies and their clinical significance is uncertain. Algorithms developed to predict the effect of sequence changes on RNA splicing suggest that this variant may create or strengthen a splice site, but this prediction has not been confirmed by published transcriptional studies. In summary, the available evidence is currently insufficient to determine the role of this variant in disease. Therefore, it has been classified as a Variant of Uncertain Significance.

Dr. Peter K. Rogan Lab, Western University
No classification provided (evidence only). Condition: Colon adenocarcinoma. Review status: no classification provided. Collection method: in vitro. Allele origin: not applicable. Functional consequence: retained intron. Not counted in ClinVar's aggregate classification.